The following is an entry in ClinVar:

NM_000179.3(MSH6):c.1453C>G (p.Gln485Glu)

Gene: MSH6 (mutS homolog 6; plus strand). Cytogenetic location: 2p16.3.
Variant type: single nucleotide variant.
Coding change: c.1453C>G on transcript NM_000179.3 (MANE Select); coding-DNA position 1453, C replaced by G.
Protein change: p.Gln485Glu; replaces glutamine 485 with glutamic acid.
Molecular consequence: missense variant.
Genome position (GRCh38, 1-based): chr2:47,799,436, C>G. VCF-style: chr2-47799436-C-G. GRCh37 (hg19) VCF-style: chr2-48026575-C-G.
Other names: c.1063C>G, p.Gln355Glu (NM_001281492.2); c.547C>G, p.Gln183Glu (NM_001281493.2, NM_001281494.2); short protein forms Q485E, Q183E, Q355E.
Identifiers: ClinVar variation 428444 (VCV000428444.16), dbSNP rs1114167803, ClinGen allele CA346745723.

ClinVar aggregate classification (germline): Uncertain significance. Review status: criteria provided, multiple submitters, no conflicts (2 of 4 stars). 3 submissions from 3 submitters: Uncertain significance (3). Last evaluated 2023-07-10.

Conditions:
Hereditary cancer-predisposing syndrome. Also called: Hereditary Cancer Syndrome; Neoplastic Syndromes, Hereditary; Hereditary neoplastic syndrome; Tumor predisposition. Identifiers: Orphanet 140162, MedGen C0027672, MeSH D009386, MONDO:0015356.
Lynch syndrome. Identifiers: Orphanet 144, MedGen C4552100, MONDO:0005835. Disease mechanism: loss of function.
Hereditary nonpolyposis colorectal neoplasms. Identifiers: MedGen C0009405, MeSH D003123.

Submissions (3):

All of Us Research Program, National Institutes of Health
Classification: Uncertain significance for Lynch syndrome. Last evaluated: 2023-07-10. Review status: criteria provided, single submitter. Criteria: ACMG Guidelines, 2015. Collection method: clinical testing. Allele origin: germline. Inheritance: Autosomal dominant inheritance. Observed: 1 variant allele, 1 heterozygote.
Comment: This missense variant replaces glutamine with glutamic acid at codon 485 of the MSH6 protein. Computational prediction suggests that this variant may have deleterious impact on protein structure and function (internally defined REVEL score threshold >= 0.7, PMID: 27666373). To our knowledge, functional studies have not been reported for this variant. This variant has not been reported in individuals affected with MSH6-related disorders in the literature. This variant has not been identified in the general population by the Genome Aggregation Database (gnomAD). The available evidence is insufficient to determine the role of this variant in disease conclusively. Therefore, this variant is classified as a Variant of Uncertain Significance.

This study involves interpretation of variants in research participants for the purpose of population health screening. Participant phenotype was not available at the time of variant classification. Additional details can be found in publication PMID: 35346344, PMCID: PMC8962531

Ambry Genetics
Classification: Uncertain significance for Hereditary cancer-predisposing syndrome. Last evaluated: 2021-12-23. Review status: criteria provided, single submitter. Criteria: Ambry Variant Classification Scheme 2023. Collection method: clinical testing. Allele origin: germline.
Comment: The p.Q485E variant (also known as c.1453C>G), located in coding exon 4 of the MSH6 gene, results from a C to G substitution at nucleotide position 1453. The glutamine at codon 485 is replaced by glutamic acid, an amino acid with highly similar properties. This amino acid position is highly conserved in available vertebrate species. In addition, this alteration is predicted to be deleterious by in silico analysis. Since supporting evidence is limited at this time, the clinical significance of this alteration remains unclear.

Labcorp Genetics (formerly Invitae), Labcorp
Classification: Uncertain significance for Hereditary nonpolyposis colorectal neoplasms. Last evaluated: 2020-02-27. Review status: criteria provided, single submitter. Criteria: Invitae Variant Classification Sherloc (09022015). Collection method: clinical testing. Allele origin: germline.
Comment: In summary, the available evidence is currently insufficient to determine the role of this variant in disease. Therefore, it has been classified as a Variant of Uncertain Significance. Algorithms developed to predict the effect of missense changes on protein structure and function (SIFT, PolyPhen-2, Align-GVGD) all suggest that this variant is likely to be disruptive, but these predictions have not been confirmed by published functional studies and their clinical significance is uncertain. This variant has not been reported in the literature in individuals with MSH6-related conditions. ClinVar contains an entry for this variant (Variation ID: 428444). This variant is not present in population databases (ExAC no frequency). This sequence change replaces glutamine with glutamic acid at codon 485 of the MSH6 protein (p.Gln485Glu). The glutamine residue is highly conserved and there is a small physicochemical difference between glutamine and glutamic acid.